The following is an entry in ClinVar:

NM_031935.3(HMCN1):c.15956G>C (p.Cys5319Ser)

Gene: HMCN1 (hemicentin 1; plus strand). Cytogenetic location: 1q31.1.
Variant type: single nucleotide variant.
Coding change: c.15956G>C on transcript NM_031935.3 (MANE Select); coding-DNA position 15956, G replaced by C.
Protein change: p.Cys5319Ser; replaces cysteine 5319 with serine.
Molecular consequence: missense variant.
Genome position (GRCh38, 1-based): chr1:186,178,428, G>C. VCF-style: chr1-186178428-G-C. GRCh37 (hg19) VCF-style: chr1-186147560-G-C.
Other names: short protein forms C5319S.
Identifiers: ClinVar variation 3651347 (VCV003651347.2).

ClinVar aggregate classification (germline): Uncertain significance (1 of 4 stars; one submission).

Submission:

Labcorp Genetics (formerly Invitae), Labcorp
Classification: Uncertain significance. Last evaluated: 2024-04-27. Review status: criteria provided, single submitter. Criteria: Invitae Variant Classification Sherloc (09022015). Collection method: clinical testing. Allele origin: germline.
Comment: This sequence change replaces cysteine, which is neutral and slightly polar, with serine, which is neutral and polar, at codon 5319 of the HMCN1 protein (p.Cys5319Ser). This variant is not present in population databases (gnomAD no frequency). This variant has not been reported in the literature in individuals affected with HMCN1-related conditions. An algorithm developed to predict the effect of missense changes on protein structure and function (PolyPhen-2) suggests that this variant is likely to be disruptive. In summary, the available evidence is currently insufficient to determine the role of this variant in disease. Therefore, it has been classified as a Variant of Uncertain Significance.